The following is an entry in ClinVar:

NM_020297.4(ABCC9):c.1013T>C (p.Ile338Thr)

Gene: ABCC9 (ATP binding cassette subfamily C member 9; minus strand). Cytogenetic location: 12p12.1.
Variant type: single nucleotide variant.
Coding change: c.1013T>C on transcript NM_020297.4 (MANE Select); coding-DNA position 1013, T replaced by C.
Protein change: p.Ile338Thr; replaces isoleucine 338 with threonine.
Molecular consequence: missense variant.
Genome position (GRCh38, 1-based): chr12:21,910,977, A>G on the plus strand (T>C on the coding strand, the complement: ABCC9 is on the minus strand). VCF-style: chr12-21910977-A-G. GRCh37 (hg19) VCF-style: chr12-22063911-A-G.
Other names: c.1013T>C, p.Ile338Thr (NM_001377273.1, NM_005691.4); c.149T>C, p.Ile50Thr (NM_001377274.1); short protein forms I50T, I338T.
Identifiers: ClinVar variation 851064 (VCV000851064.11), dbSNP rs756300282, ClinGen allele CA6481739.

ClinVar aggregate classification (germline): Uncertain significance. Review status: criteria provided, multiple submitters, no conflicts (2 of 4 stars). 2 submissions from 2 submitters: Uncertain significance (2). Last evaluated 2025-12-10.

Conditions:
Dilated cardiomyopathy 1O (CMD1O). Also called: CARDIOMYOPATHY, DILATED, WITH VENTRICULAR TACHYCARDIA. Identifiers: Orphanet 154, MedGen C1837839, MONDO:0012062, OMIM 608569.
Cardiovascular phenotype. Identifiers: MedGen CN230736.

Allele frequency attached by ClinVar (database versions not stated): ExAC 0.00001; gnomAD 0.00001; gnomAD exomes 0.00001; TOPMed 0.00001.
gnomAD v4.1: 4 of 1,611,982 alleles (0.00025%); highest among the groups gnomAD compares: African/African-American, 0.004%; no homozygotes.

Submissions (2):

Labcorp Genetics (formerly Invitae), Labcorp
Classification: Uncertain significance for Dilated cardiomyopathy 1O. Last evaluated: 2025-12-10. Review status: criteria provided, single submitter. Criteria: Invitae Variant Classification Sherloc (09022015). Collection method: clinical testing. Allele origin: germline.
Comment: This sequence change replaces isoleucine, which is neutral and non-polar, with threonine, which is neutral and polar, at codon 338 of the ABCC9 protein (p.Ile338Thr). This variant is present in population databases (rs756300282, gnomAD 0.007%). This variant has not been reported in the literature in individuals affected with ABCC9-related conditions. ClinVar contains an entry for this variant (Variation ID: 851064). An algorithm developed to predict the effect of missense changes on protein structure and function outputs the following: PolyPhen-2: "Benign". The threonine amino acid residue is found in multiple mammalian species, which suggests that this missense change does not adversely affect protein function. In summary, the available evidence is currently insufficient to determine the role of this variant in disease. Therefore, it has been classified as a Variant of Uncertain Significance.

Ambry Genetics
Classification: Uncertain significance for Cardiovascular phenotype. Last evaluated: 2022-02-20. Review status: criteria provided, single submitter. Criteria: Ambry Variant Classification Scheme 2023. Collection method: clinical testing. Allele origin: germline.
Comment: The p.I338T variant (also known as c.1013T>C), located in coding exon 7 of the ABCC9 gene, results from a T to C substitution at nucleotide position 1013. The isoleucine at codon 338 is replaced by threonine, an amino acid with similar properties. This amino acid position is not well conserved in available vertebrate species, and threonine is the reference amino acid in other vertebrate species. In addition, this alteration is predicted to be tolerated by in silico analysis. Since supporting evidence is limited at this time, the clinical significance of this alteration remains unclear.